The following is an entry in ClinVar:

NM_001009944.3(PKD1):c.12003+14_12003+33del

Gene: PKD1 (polycystin 1, transient receptor potential channel interacting; minus strand). Cytogenetic location: 16p13.3.
Variant type: Deletion.
Coding change: c.12003+14_12003+33del on transcript NM_001009944.3 (MANE Select); bases 14 to 33 of the intron after coding-DNA position 12003, 20 bases deleted (CGGTGGGCGCGGGGCTGGGC).
Molecular consequence: intron variant.
Genome position (GRCh38, 1-based): chr16:2,090,851-2,090,870, GCCCAGCCCCGCGCCCACCG deleted on the plus strand (CGGTGGGCGCGGGGCTGGGC on the coding strand, the reverse complement: PKD1 is on the minus strand); deleting any 20 consecutive bases within chr16:2,090,851-2,090,879 gives the same sequence; the c. name uses the placement nearest the transcript's 3' end. VCF-style (leftmost placement, unchanged base first): chr16-2090850-CGCCCAGCCCCGCGCCCACCG-C. GRCh37 (hg19) VCF-style: chr16-2140851-CGCCCAGCCCCGCGCCCACCG-C.
Other names: c.12000+14_12000+33del (NM_000296.4); c.12003+14_12003+33del20 (NM_001009944.3).
Identifiers: ClinVar variation 586249 (VCV000586249.5), dbSNP rs1567148835, ClinGen allele CA891843785.

ClinVar aggregate classification (germline): Pathogenic/Likely pathogenic. Review status: criteria provided, multiple submitters, no conflicts (2 of 4 stars). 3 submissions from 3 submitters: Pathogenic (1); Likely pathogenic (2). Last evaluated 2025-09-17.

Conditions:
PKD1-related disorder. Also called: PKD1-related condition.
Polycystic kidney disease, adult type (PKD1). Also called: POLYCYSTIC KIDNEY DISEASE 1 WITH OR WITHOUT POLYCYSTIC LIVER DISEASE; Polycystic Kidney Disease 1, Autosomal Dominant; Polycystic kidney disease 1; Polycystic kidney disease 1, severe; Polycystic Kidney, Autosomal Dominant; POLYCYSTIC KIDNEY DISEASE, ADULT, TYPE I. Identifiers: MedGen C3149841, MONDO:0008263, OMIM 173900.

Submissions (3):

Women's Health and Genetics/Laboratory Corporation of America, LabCorp
Classification: Pathogenic for Polycystic kidney disease, adult type. Last evaluated: 2025-09-17. Review status: criteria provided, single submitter. Criteria: LabCorp Variant Classification Summary - May 2015. Collection method: clinical testing. Allele origin: germline.
Comment: Variant summary: PKD1 c.12003+14_12003+33del20 removes 20 nucleotides located at a position not widely known to affect splicing. Computational tools predict no significant impact on normal splicing, although 3 predict that the variant abolishes a cryptic 5' donor site. However, publications reported experimental evidence demonstrating from patient derived samples that this variant affects mRNA splicing (Peral_1995, Mizoguchi_2001). The variant was absent in 235120 control chromosomes (gnomAD). The variant, c.12003+14_12003+33del20, has been observed in multiple families in individuals affected with Polycystic Kidney Disease (e.g. Peral_1995, Peral_1997, Mizoguchi_2001, Rossetti_2007), and segregation with the disease was reported in different families. These data indicate that the variant is very likely to be associated with disease. The following publications have been ascertained in the context of this evaluation (PMID: 11558899, 17582161, 7633405, 9199561). ClinVar contains an entry for this variant (Variation ID: 586249). Based on the evidence outlined above, the variant was classified as pathogenic.

Blueprint Genetics
Classification: Likely pathogenic for PKD1-related disorders. Last evaluated: 2022-11-15. Review status: criteria provided, single submitter. Criteria: ACMG Guidelines, 2015. Collection method: clinical testing. Allele origin: germline. Affected: yes. Observed: 2 variant alleles.

Athena Diagnostics
Classification: Likely pathogenic. Last evaluated: 2018-03-09. Review status: criteria provided, single submitter. Criteria: Athena Diagnostics Criteria. Collection method: clinical testing. Allele origin: germline.

Literature cited by the submitters: PubMed 17582161 (cited by Women's Health and Genetics/Laboratory Corporation of America, LabCorp); PubMed 9199561 (cited by Women's Health and Genetics/Laboratory Corporation of America, LabCorp); PubMed 11558899 (cited by Women's Health and Genetics/Laboratory Corporation of America, LabCorp); PubMed 7633405 (cited by Women's Health and Genetics/Laboratory Corporation of America, LabCorp and Athena Diagnostics).